The following is an entry in ClinVar:

ClinVar aggregate classification (germline): Uncertain significance (1 of 4 stars; one submission).

Submission:

Labcorp Genetics (formerly Invitae), Labcorp
Classification: Uncertain significance. Last evaluated: 2024-03-17. Review status: criteria provided, single submitter. Criteria: Invitae Variant Classification Sherloc (09022015). Collection method: clinical testing. Allele origin: germline.
Comment: This sequence change falls in intron 5 of the LMBR1 gene. It does not directly change the encoded amino acid sequence of the LMBR1 protein. This variant is not present in population databases (gnomAD no frequency). This variant has not been reported in the literature in individuals affected with LMBR1-related conditions. Studies have shown that this variant affects the ZPA regulatory sequence (ZRS) within intron 5 of the LMBR1 gene, which regulates the expression of certain genes that are important for limb development (PMID: 29651423). In summary, the available evidence is currently insufficient to determine the role of this variant in disease. Therefore, it has been classified as a Variant of Uncertain Significance.

Literature cited by the submitters: PubMed 29651423.

NM_022458.4(LMBR1):c.423+4794A>G

Genes: LMBR1 (limb development membrane protein 1; minus strand), ZRS (ZPA regulatory sequence; plus strand). Cytogenetic location: 7q36.3.
Variant type: single nucleotide variant.
Coding change: c.423+4794A>G on transcript NM_022458.4 (MANE Select); 4794 bases into the intron after coding-DNA position 423, A replaced by G.
Molecular consequence: intron variant.
Genome position (GRCh38, 1-based): chr7:156,791,595, T>C on the plus strand (A>G on the coding strand, the complement: LMBR1 is on the minus strand). VCF-style: chr7-156791595-T-C. GRCh37 (hg19) VCF-style: chr7-156584289-T-C.
Other names: c.360+4794A>G (NM_001363412.2); c.144+4794A>G (NM_001350954.2); c.423+4794A>G (NM_001363410.2, NM_001363409.2, NM_001350953.2); c.-112+4794A>G (NM_001350958.2, NM_001350956.2, NM_001350955.2 and 1 more transcripts); c.54+4794A>G (NM_001350957.2, NM_001363411.2).
Identifiers: ClinVar variation 2034460 (VCV002034460.4), dbSNP rs2536134316, ClinGen allele CA2579850454.